The following is an entry in ClinVar:

ClinVar aggregate classification (germline): Benign/Likely benign. Review status: criteria provided, multiple submitters, no conflicts (2 of 4 stars). 3 submissions from 3 submitters: Benign (2); Likely benign (1). Last evaluated 2018-06-25.

Allele frequency attached by ClinVar (database versions not stated): gnomAD 0.30440 and 0.31605; TOPMed 0.30859; 1000 Genomes Project 30x 0.35025; 1000 Genomes Project 0.35982; gnomAD exomes 0.36417 and 0.39706; ExAC 0.46576.
gnomAD v4.1: 525,671 of 1,461,420 alleles (36%); highest among the groups gnomAD compares: Middle Eastern, 55%; 98,599 homozygotes.

Submissions (3):

Blueprint Genetics
Classification: Likely benign. Last evaluated: 2018-06-25. Review status: criteria provided, single submitter. Criteria: ACMG Guidelines, 2015. Collection method: clinical testing. Allele origin: germline.

GeneDx
Classification: Benign. Last evaluated: 2018-06-14. Review status: criteria provided, single submitter. Criteria: GeneDx Variant Classification (06012015). Collection method: clinical testing. Allele origin: germline. Affected: yes.
Comment: This variant is considered likely benign or benign based on one or more of the following criteria: it is a conservative change, it occurs at a poorly conserved position in the protein, it is predicted to be benign by multiple in silico algorithms, and/or has population frequency not consistent with disease.

Breakthrough Genomics
Classification: Benign. Review status: criteria provided, single submitter. Criteria: ACMG Guidelines, 2015. Collection method: not provided. Allele origin: germline. Inheritance: Autosomal dominant inheritance. Affected: yes.

NM_000545.8(HNF1A):c.1309+288G>A

Gene: HNF1A (HNF1 homeobox A; plus strand). Cytogenetic location: 12q24.31.
Variant type: single nucleotide variant.
Coding change: c.1309+288G>A on transcript NM_000545.8 (MANE Select); 288 bases into the intron after coding-DNA position 1309, G replaced by A.
Molecular consequence: intron variant.
Genome position (GRCh38, 1-based): chr12:120,997,030, G>A. VCF-style: chr12-120997030-G-A. GRCh37 (hg19) VCF-style: chr12-121434833-G-A.
Other names: c.1309+288G>A (NM_001306179.2).
Identifiers: ClinVar variation 680606 (VCV000680606.3), dbSNP rs2259852, ClinGen allele CA6832009.